The following is an entry in ClinVar:

ClinVar aggregate classification (germline): Uncertain significance (1 of 4 stars; one submission).

Conditions:
Methylmalonic acidemia with homocystinuria, type cblX (MAHCX). Also called: INTELLECTUAL DEVELOPMENTAL DISORDER, X-LINKED 3. Identifiers: Orphanet 369962, MedGen C0796208, MONDO:0010657, OMIM 309541.

Submission:

Labcorp Genetics (formerly Invitae), Labcorp
Classification: Uncertain significance for Methylmalonic acidemia with homocystinuria, type cblX. Last evaluated: 2024-08-07. Review status: criteria provided, single submitter. Criteria: Invitae Variant Classification Sherloc (09022015). Collection method: clinical testing. Allele origin: germline.
Comment: This sequence change replaces serine, which is neutral and polar, with proline, which is neutral and non-polar, at codon 1245 of the HCFC1 protein (p.Ser1245Pro). This variant is not present in population databases (gnomAD no frequency). This variant has not been reported in the literature in individuals affected with HCFC1-related conditions. An algorithm developed to predict the effect of missense changes on protein structure and function outputs the following: PolyPhen-2: "Benign". The proline amino acid residue is found in multiple mammalian species, which suggests that this missense change does not adversely affect protein function. In summary, the available evidence is currently insufficient to determine the role of this variant in disease. Therefore, it has been classified as a Variant of Uncertain Significance.

NM_005334.3(HCFC1):c.3733T>C (p.Ser1245Pro)

Gene: HCFC1 (host cell factor C1; minus strand). Cytogenetic location: Xq28.
Variant type: single nucleotide variant.
Coding change: c.3733T>C on transcript NM_005334.3 (MANE Select); coding-DNA position 3733, T replaced by C.
Protein change: p.Ser1245Pro; replaces serine 1245 with proline.
Molecular consequence: missense variant.
Genome position (GRCh38, 1-based): chrX:153,954,666, A>G on the plus strand (T>C on the coding strand, the complement: HCFC1 is on the minus strand). VCF-style: chrX-153954666-A-G. GRCh37 (hg19) VCF-style: chrX-153220117-A-G.
Other names: c.3733T>C, p.Ser1245Pro (NM_001410705.1); short protein forms S1245P.
Identifiers: ClinVar variation 3661164 (VCV003661164.2).
Genomic context (GRCh38, chrX:153,954,666, plus strand): 5'-AGCCACCCTGGAGGCTCTCGCACACAGGTGCCATGCGGGGCTCCCCAGCACCCACGCTGG[A>G]ACGGGTCATGGCAGCGGTGCTGACCGCATGGCTGTGGCGCCCCGCAGGAAGGTCCTTAAT-3'
Protein context (NP_005325.2, residues 1235-1255): HAVSTAAMTR[Ser1245Pro]SVGAGEPRMA